The following is an entry in ClinVar:

NM_022455.5(NSD1):c.6074C>T (p.Pro2025Leu)

Gene: NSD1 (nuclear receptor binding SET domain protein 1; plus strand). Cytogenetic location: 5q35.3.
Variant type: single nucleotide variant.
Coding change: c.6074C>T on transcript NM_022455.5 (MANE Select); coding-DNA position 6074, C replaced by T.
Protein change: p.Pro2025Leu; replaces proline 2025 with leucine.
Molecular consequence: missense variant. On other transcripts: intron variant (1).
Genome position (GRCh38, 1-based): chr5:177,283,851, C>T. VCF-style: chr5-177283851-C-T. GRCh37 (hg19) VCF-style: chr5-176710852-C-T.
Other names: c.5201C>T, p.Pro1734Leu (NM_001365684.2, NM_001409308.1, NM_172349.5); c.6074C>T, p.Pro2025Leu (NM_001409301.1, NM_001409302.1, NM_001409303.1); c.5654C>T, p.Pro1885Leu (NM_001409304.1); c.5321C>T, p.Pro1774Leu (NM_001409305.1); c.5312C>T, p.Pro1771Leu (NM_001409306.1, NM_001409307.1); c.5136+1270C>T (NM_001409309.1); short protein forms P1734L, P1771L, P1774L, P1885L, P2025L.
Identifiers: ClinVar variation 4536304 (VCV004536304.1).

ClinVar aggregate classification (germline): Uncertain significance (1 of 4 stars; one submission).

Submission:

GeneDx
Classification: Uncertain significance. Last evaluated: 2025-06-02. Review status: criteria provided, single submitter. Criteria: GeneDx Variant Classification Process June 2021. Collection method: clinical testing. Allele origin: germline. Affected: yes.
Comment: Not observed at significant frequency in large population cohorts (gnomAD); In silico analysis supports that this missense variant has a deleterious effect on protein structure/function; Has not been previously published as pathogenic or benign to our knowledge